The following is an entry in ClinVar:

NM_000340.2(SLC2A2):c.496+8AC[11]

Gene: SLC2A2 (solute carrier family 2 member 2; minus strand). Cytogenetic location: 3q26.2.
Variant type: Microsatellite.
Coding change: c.496+8AC[11] on transcript NM_000340.2 (MANE Select); 11 copies in a row of the 2-base unit AC starting at c.496+8; the reference has 19 copies in a row; eight copies, 16 bases deleted.
Molecular consequence: intron variant.
Genome position (GRCh38, 1-based): chr3:171,009,913-171,009,928, GTGTGTGTGTGTGTGT deleted on the plus strand (ACACACACACACACAC on the coding strand, the reverse complement: SLC2A2 is on the minus strand); deleting any 16 consecutive bases within chr3:171,009,913-171,009,951 gives the same sequence; the position shown is the placement nearest the transcript's 3' end. VCF-style (leftmost placement, unchanged base first): chr3-171009912-GGTGTGTGTGTGTGTGT-G. GRCh37 (hg19) VCF-style: chr3-170727701-GGTGTGTGTGTGTGTGT-G.
Other names: p.?; c.496+30_496+45del (NM_000340.2); c.139+8AC[11] (NM_001278658.2); c.-23-2687AC[11] (NM_001278659.2).
Identifiers: ClinVar variation 4684741 (VCV004684741.1).

ClinVar aggregate classification (germline): Likely benign (1 of 4 stars; one submission).

Submission:

Mayo Clinic Laboratories, Mayo Clinic
Classification: Likely benign. Last evaluated: 2024-12-23. Review status: criteria provided, single submitter. Criteria: ACMG Guidelines, 2015. Collection method: clinical testing. Allele origin: germline. Observed: 1 variant allele.
Comment: BP4, BP7